The following is an entry in ClinVar:

ClinVar aggregate classification (germline): Pathogenic. Review status: reviewed by expert panel (3 of 4 stars). 2 submissions from 2 submitters: Pathogenic (1). 1 of the submissions does not count toward it. Last evaluated 2025-08-01.

Conditions:
Retinitis pigmentosa 3. Also called: CHOROIDORETINAL DEGENERATION WITH RETINAL REFLEX IN HETEROZYGOUS WOMEN. Identifiers: Orphanet 791, MedGen C1845667, MONDO:0010227, OMIM 300029.
RPGR-related retinopathy. Also called: RPGR retinopathy. Identifiers: MedGen CN305589, MONDO:0100437.

Submissions (2):

ClinGen X-linked Inherited Retinal Disease Variant Curation Expert Panel, ClinGen
Classification: Pathogenic for RPGR-related retinopathy. Last evaluated: 2025-08-01. Review status: reviewed by expert panel. Criteria: ClinGen X LinkedIRD ACMG Specifications RPGR V1.0.0. Collection method: curation. Allele origin: germline. Inheritance: X-linked inheritance.
Comment: NM_001034853.2(RPGR):c.1541C>G (p.Ser514Ter) is a nonsense variant that substitutes a premature stop codon for amino acid 514 within exon 13 of 15 and is predicted to trigger nonsense-mediated decay (PVS1). This variant is absent from gnomAD v4.1.0 (PM2_Supporting). At least one proband harboring this variant exhibits a phenotype including early onset (1 pt), night blindness (0.5 pts), reduction in visual acuity (0.5 pts), pigment deposits (0.5 pts), and genotyping by next-generation sequencing panel of 483 genes finding no alternative explanation for retinal disease (2 pts), which together are specific for RPGR-related retinopathy (4.5 pts, PMID: 36276946, PP4). In summary, this variant is classified as pathogenic for RPGR-related retinopathy based on the ClinGen X-linked Inherited Retinal Disease Expert Panel Specifications to the ACMG/AMP Variant Interpretation Guidelines for RPGR Version 1.0.0; PVS1, PM2_Supporting, and PP4. (date of approval 05/16/2025).

DBGen Ocular Genomics
Classification: Pathogenic for Retinitis pigmentosa 3. Last evaluated: 2021-06-22. Review status: criteria provided, single submitter. Criteria: ACMG Guidelines, 2015. Collection method: clinical testing. Allele origin: germline. Affected: yes. Observed: 1 variant allele. Not counted in ClinVar's aggregate classification.

NM_001034853.2(RPGR):c.1541C>G (p.Ser514Ter)

Gene: RPGR (retinitis pigmentosa GTPase regulator; minus strand). Cytogenetic location: Xp11.4.
Variant type: single nucleotide variant.
Coding change: c.1541C>G on transcript NM_001034853.2 (MANE Select); coding-DNA position 1541, C replaced by G.
Protein change: p.Ser514Ter; replaces serine 514 with a stop codon.
Molecular consequence: nonsense. On other transcripts: non-coding transcript variant (6).
Genome position (GRCh38, 1-based): chrX:38,290,990, G>C on the plus strand (C>G on the coding strand, the complement: RPGR is on the minus strand). VCF-style: chrX-38290990-G-C. GRCh37 (hg19) VCF-style: chrX-38150243-G-C.
Other names: NM_001034853.2(RPGR):c.1541C>G; p.Ser514Ter; c.1541C>G, p.Ser514Ter (NM_000328.3, NM_001367247.1); c.1538C>G, p.Ser513Ter (NM_001367245.1, NM_001367249.1, NM_001367250.1); c.1355C>G, p.Ser452Ter (NM_001367246.1, NM_001367251.1); c.1571C>G, p.Ser524Ter (NM_001367248.1); short protein forms S452*, S513*, S514*, S524*.
Identifiers: ClinVar variation 1213922 (VCV001213922.3), dbSNP rs2147211363, ClinGen allele CA412737625.